The following is an entry in ClinVar:

NM_024675.4(PALB2):c.1673T>C (p.Ile558Thr)

Gene: PALB2 (partner and localizer of BRCA2; minus strand). Cytogenetic location: 16p12.2.
Variant type: single nucleotide variant.
Coding change: c.1673T>C on transcript NM_024675.4 (MANE Select); coding-DNA position 1673, T replaced by C.
Protein change: p.Ile558Thr; replaces isoleucine 558 with threonine.
Molecular consequence: missense variant.
Genome position (GRCh38, 1-based): chr16:23,634,873, A>G on the plus strand (T>C on the coding strand, the complement: PALB2 is on the minus strand). VCF-style: chr16-23634873-A-G. GRCh37 (hg19) VCF-style: chr16-23646194-A-G.
Other names: short protein forms I558T.
Identifiers: ClinVar variation 619885 (VCV000619885.16), dbSNP rs766583287, ClinGen allele CA7963686.
Genomic context (GRCh38, chr16:23,634,873, plus strand): 5'-GTTAACTTTCATCATCATCATCATCATCATCAAACACATCTTGATTTACCTTTCACTTGA[A>G]TAAATAATTTTTCGTGCTGATATTTGTGTGAGGTGACTTCTTCCTTGGACCTGTTAACAA-3'
Protein context (NP_078951.2, residues 548-568): SHKYQHEKLF[Ile558Thr]QVKGKKSRHQ

ClinVar aggregate classification (germline): Conflicting classifications of pathogenicity. Review status: criteria provided, conflicting classifications (1 of 4 stars). 4 submissions from 4 submitters: Uncertain significance (2); Likely benign (1). 1 of the submissions does not count toward it. Last evaluated 2025-08-13.

Conditions:
Hereditary cancer-predisposing syndrome. Also called: Tumor predisposition; Hereditary Cancer Syndrome; Neoplastic Syndromes, Hereditary; Hereditary neoplastic syndrome. Identifiers: Orphanet 140162, MedGen C0027672, MeSH D009386, MONDO:0015356.
Familial cancer of breast. Also called: BREAST CANCER, FAMILIAL; Hereditary breast cancer; hereditary breast carcinoma. Identifiers: Orphanet 227535, MedGen C0346153, MONDO:0016419, OMIM 114480. Disease mechanism: loss of function.

Allele frequency attached by ClinVar (database versions not stated): ExAC 0.00001.
gnomAD v4.1: 7 of 1,613,780 alleles (0.00043%); highest among the groups gnomAD compares: South Asian, 0.0011%; no homozygotes.

Submissions (4):

Labcorp Genetics (formerly Invitae), Labcorp
Classification: Uncertain significance for Familial cancer of breast. Last evaluated: 2025-08-13. Review status: criteria provided, single submitter. Criteria: Invitae Variant Classification Sherloc (09022015). Collection method: clinical testing. Allele origin: germline.
Comment: This sequence change replaces isoleucine, which is neutral and non-polar, with threonine, which is neutral and polar, at codon 558 of the PALB2 protein (p.Ile558Thr). This variant is present in population databases (rs766583287, gnomAD 0.003%). This variant has not been reported in the literature in individuals affected with PALB2-related conditions. ClinVar contains an entry for this variant (Variation ID: 619885). Invitae Evidence Modeling of protein sequence and biophysical properties (such as structural, functional, and spatial information, amino acid conservation, physicochemical variation, residue mobility, and thermodynamic stability) indicates that this missense variant is not expected to disrupt PALB2 protein function with a negative predictive value of 80%. In summary, the available evidence is currently insufficient to determine the role of this variant in disease. Therefore, it has been classified as a Variant of Uncertain Significance.

Ambry Genetics
Classification: Likely benign for Hereditary cancer-predisposing syndrome. Last evaluated: 2025-04-09. Review status: criteria provided, single submitter. Criteria: Ambry Variant Classification Scheme 2023. Collection method: clinical testing. Allele origin: germline.

Quest Diagnostics Nichols Institute San Juan Capistrano
Classification: Uncertain significance. Last evaluated: 2018-02-28. Review status: criteria provided, single submitter. Criteria: Quest Diagnostics criteria. Collection method: clinical testing. Allele origin: germline.

Leiden Open Variation Database
Classification: Uncertain significance. Last evaluated: 2018-08-25. Review status: no assertion criteria provided. Collection method: curation. Allele origin: germline. Affected: yes. Not counted in ClinVar's aggregate classification.
Comment: Curators: Marc Tischkowitz, Arleen D. Auerbach. Submitter to LOVD: Yukihide Momozawa.

Literature cited by the submitters: PubMed 30287823 (cited by Ambry Genetics and Leiden Open Variation Database); PubMed 31214711 (cited by Ambry Genetics).